The following is an entry in ClinVar:

ClinVar aggregate classification (germline): Uncertain significance (1 of 4 stars; one submission).

Conditions:
Familial adenomatous polyposis 1 (FAP1). Also called: FAMILIAL ADENOMATOUS POLYPOSIS 1, ATTENUATED; POLYPOSIS, ADENOMATOUS INTESTINAL. Identifiers: MedGen C2713442, MONDO:0021056, OMIM 175100. Disease mechanism: loss of function.

Submission:

Labcorp Genetics (formerly Invitae), Labcorp
Classification: Uncertain significance for Familial adenomatous polyposis 1. Last evaluated: 2021-08-19. Review status: criteria provided, single submitter. Criteria: Invitae Variant Classification Sherloc (09022015). Collection method: clinical testing. Allele origin: germline.
Comment: In summary, the available evidence is currently insufficient to determine the role of this variant in disease. Therefore, it has been classified as a Variant of Uncertain Significance. Algorithms developed to predict the effect of missense changes on protein structure and function (SIFT, PolyPhen-2, Align-GVGD) all suggest that this variant is likely to be disruptive, but these predictions have not been confirmed by published functional studies and their clinical significance is uncertain. This variant has not been reported in the literature in individuals with APC-related conditions. This variant is not present in population databases (ExAC no frequency). This sequence change replaces serine with asparagine at codon 1391 of the APC protein (p.Ser1391Asn). The serine residue is highly conserved and there is a small physicochemical difference between serine and asparagine.

NM_000038.6(APC):c.4172G>A (p.Ser1391Asn)

Gene: APC (APC regulator of Wnt signaling pathway; plus strand). Cytogenetic location: 5q22.2.
Variant type: single nucleotide variant.
Coding change: c.4172G>A on transcript NM_000038.6 (MANE Select); coding-DNA position 4172, G replaced by A.
Protein change: p.Ser1391Asn; replaces serine 1391 with asparagine.
Molecular consequence: missense variant.
Genome position (GRCh38, 1-based): chr5:112,839,766, G>A. VCF-style: chr5-112839766-G-A. GRCh37 (hg19) VCF-style: chr5-112175463-G-A.
Other names: c.4172G>A, p.Ser1391Asn (NM_001127510.3, NM_001354895.2); c.4118G>A, p.Ser1373Asn (NM_001127511.3); c.4226G>A, p.Ser1409Asn (NM_001354896.2); c.4202G>A, p.Ser1401Asn (NM_001354897.2); c.4097G>A, p.Ser1366Asn (NM_001354898.2); c.4088G>A, p.Ser1363Asn (NM_001354899.2); c.4049G>A, p.Ser1350Asn (NM_001354900.2); c.3995G>A, p.Ser1332Asn (NM_001354901.2); and 5 more; short protein forms S1108N, S1290N, S1363N, S1391N, S1401N, S1231N, S1265N, S1350N.
Identifiers: ClinVar variation 845203 (VCV000845203.11), dbSNP rs1765619751, ClinGen allele CA16030471.